The following is an entry in ClinVar:

NM_001042492.3(NF1):c.2409+1dup

Gene: NF1 (neurofibromin 1; plus strand). Cytogenetic location: 17q11.2.
Variant type: Duplication.
Coding change: c.2409+1dup on transcript NM_001042492.3 (MANE Select); the canonical splice donor site of the intron after coding-DNA position 2409, one base duplicated (G; older notation c.2409+1dupG).
Molecular consequence: splice donor variant.
Genome position (GRCh38, 1-based): chr17:31,227,607, G duplicated; the last of 2 consecutive G bases (chr17:31,227,606-31,227,607); duplicating either gives the same sequence. VCF-style (leftmost placement, unchanged base first): chr17-31227605-A-AG. GRCh37 (hg19) VCF-style: chr17-29554623-A-AG.
Other names: c.2409+1dup (NM_000267.4).
Identifiers: ClinVar variation 1369172 (VCV001369172.8), dbSNP rs2151427637, ClinGen allele CA2573153294.

ClinVar aggregate classification (germline): Pathogenic (1 of 4 stars; one submission).

Conditions:
Neurofibromatosis, type 1 (NF1). Also called: Peripheral type neurofibromatosis; Neurofibromatosis, type I; NEUROFIBROMATOSIS, TYPE I, SOMATIC; VON RECKLINGHAUSEN DISEASE. Identifiers: Orphanet 636, MedGen C0027831, MONDO:0018975, OMIM 162200. Disease mechanism: loss of function.

Submission:

Labcorp Genetics (formerly Invitae), Labcorp
Classification: Pathogenic for Neurofibromatosis, type 1. Last evaluated: 2021-05-16. Review status: criteria provided, single submitter. Criteria: Invitae Variant Classification Sherloc (09022015). Collection method: clinical testing. Allele origin: germline.
Comment: For these reasons, this variant has been classified as Pathogenic. Algorithms developed to predict the effect of sequence changes on RNA splicing suggest that this variant may disrupt the consensus splice site, but this prediction has not been confirmed by published transcriptional studies. Disruption of this splice site has been observed in individual(s) with neurofibromatosis type 1 (PMID: 17426081, 31766501, 16835897). This variant is not present in population databases (ExAC no frequency). This sequence change affects a splice site in intron 20 of the NF1 gene. It is expected to disrupt RNA splicing. Variants that disrupt the donor or acceptor splice site typically lead to a loss of protein function (PMID: 16199547), and loss-of-function variants in NF1 are known to be pathogenic (PMID: 10712197, 23913538).

Literature cited by the submitters: PubMed 17426081; PubMed 31766501; PubMed 16835897; PubMed 16199547; PubMed 10712197; PubMed 23913538.